The following is an entry in ClinVar:

ClinVar aggregate classification (germline): Uncertain significance (1 of 4 stars; one submission).

Submission:

GeneDx
Classification: Uncertain significance. Last evaluated: 2024-01-23. Review status: criteria provided, single submitter. Criteria: GeneDx Variant Classification Process June 2021. Collection method: clinical testing. Allele origin: germline. Affected: yes.
Comment: Not observed at significant frequency in large population cohorts (gnomAD); In silico analysis supports that this missense variant does not alter protein structure/function; Has not been previously published as pathogenic or benign to our knowledge

NM_001099922.3(ALG13):c.1290A>G (p.Ile430Met)

Gene: ALG13 (ALG13 UDP-N-acetylglucosaminyltransferase subunit; plus strand). Cytogenetic location: Xq23.
Variant type: single nucleotide variant.
Coding change: c.1290A>G on transcript NM_001099922.3 (MANE Select); coding-DNA position 1290, A replaced by G.
Protein change: p.Ile430Met; replaces isoleucine 430 with methionine.
Molecular consequence: missense variant. On other transcripts: non-coding transcript variant (1).
Genome position (GRCh38, 1-based): chrX:111,720,134, A>G. VCF-style: chrX-111720134-A-G. GRCh37 (hg19) VCF-style: chrX-110963362-A-G.
Other names: c.978A>G, p.Ile326Met (NM_001257230.2, NM_001257234.2, NM_001257237.2 and 1 more transcripts); c.1056A>G, p.Ile352Met (NM_001257231.2); c.1290A>G, p.Ile430Met (NM_001324292.2); short protein forms I430M, I326M, I352M.
Identifiers: ClinVar variation 432398 (VCV000432398.3), dbSNP rs1556498080, ClinGen allele CA414251325.